The following is an entry in ClinVar:

NM_024426.6(WT1):c.785-7T>G

Gene: WT1 (WT1 transcription factor; minus strand). Cytogenetic location: 11p13.
Variant type: single nucleotide variant.
Coding change: c.785-7T>G on transcript NM_024426.6 (MANE Select); 7 bases into the intron before coding-DNA position 785, T replaced by G.
Molecular consequence: intron variant.
Genome position (GRCh38, 1-based): chr11:32,428,065, A>C on the plus strand (T>G on the coding strand, the complement: WT1 is on the minus strand). VCF-style: chr11-32428065-A-C. GRCh37 (hg19) VCF-style: chr11-32449611-A-C.
Other names: c.662-7T>G (NM_001407050.1, NM_001407047.1); c.785-7T>G (NM_001407048.1, NM_001407049.1, NM_000378.6 and 4 more transcripts); c.23-7T>G (NM_001407051.1); c.134-7T>G (NM_001198552.2, NM_001198551.2).
Identifiers: ClinVar variation 1418903 (VCV001418903.12), dbSNP rs758280375, ClinGen allele CA2573146212.

ClinVar aggregate classification (germline): Conflicting classifications of pathogenicity. Review status: criteria provided, conflicting classifications (1 of 4 stars). 3 submissions from 3 submitters: Uncertain significance (2); Likely benign (1). Last evaluated 2026-01-13.

Conditions:
Drash syndrome (DDS). Also called: WILMS TUMOR AND PSEUDO- OR TRUE HERMAPHRODITISM; NEPHROPATHY, WILMS TUMOR, AND GENITAL ANOMALIES. Identifiers: Orphanet 220, MedGen C0950121, MONDO:0008682, OMIM 194080.
Frasier syndrome. Identifiers: Orphanet 347, MedGen C0950122, MeSH D052159, MONDO:0007635, OMIM 136680.
Wilms tumor 1 (WT1). Also called: Wilms tumor, somatic. Identifiers: Orphanet 654, MedGen CN033288, MONDO:0008679, OMIM 194070.
11p partial monosomy syndrome (WAGR). Also called: WAGR Spectrum Disorder; WAGR syndrome; CHROMOSOME 11p13 DELETION SYNDROME; WAGR Complex. Identifiers: Orphanet 893, MedGen C0206115, MONDO:0008681, OMIM 194072.

Allele frequency attached by ClinVar (database versions not stated): gnomAD 0.00001.
gnomAD v4.1: 2 of 1,594,844 alleles (0.00013%); highest among the groups gnomAD compares: Middle Eastern, 0.017%; no homozygotes.

Submissions (3):

Dasa
Classification: Uncertain significance. Last evaluated: 2026-01-13. Review status: criteria provided, single submitter. Criteria: DASA Assertion Criteria. Collection method: clinical testing. Allele origin: germline.
Comment: NM_024426.6(WT1):c.785-7T>G is a splice-region variant. This variant is rare in population databases. Computational prediction algorithms are consistent with a benign effect. The currently available literature and clinical evidence are not sufficient to establish a definitive association between this variant and the reported condition. Therefore, this variant is classified as a variant of uncertain significance.

Labcorp Genetics (formerly Invitae), Labcorp
Classification: Likely benign for Wilms tumor 1; Drash syndrome; 11p partial monosomy syndrome; Frasier syndrome. Last evaluated: 2023-11-02. Review status: criteria provided, single submitter. Criteria: Invitae Variant Classification Sherloc (09022015). Collection method: clinical testing. Allele origin: germline.

All of Us Research Program, National Institutes of Health
Classification: Uncertain significance for Wilms tumor 1. Last evaluated: 2023-06-26. Review status: criteria provided, single submitter. Criteria: ACMG Guidelines, 2015. Collection method: clinical testing. Allele origin: germline. Inheritance: Autosomal dominant inheritance. Observed: 1 variant allele, 1 heterozygote.
Comment: This variant causes a T to G nucleotide substitution at the -7 position in intron 2 of the WT1 gene. To our knowledge, functional studies have not been reported for this variant. This variant has not been reported in individuals affected with hereditary cancer in the literature. This variant has not been identified in the general population by the Genome Aggregation Database (gnomAD). The available evidence is insufficient to determine the role of this variant in disease conclusively. Therefore, this variant is classified as a Variant of Uncertain Significance.

This study involves interpretation of variants in research participants for the purpose of population health screening. Participant phenotype was not available at the time of variant classification. Additional details can be found in publication PMID: 35346344, PMCID: PMC8962531